The following is an entry in ClinVar:

NM_003742.4(ABCB11):c.1550G>A (p.Arg517His)

Gene: ABCB11 (ATP binding cassette subfamily B member 11; minus strand). Cytogenetic location: 2q31.1.
Variant type: single nucleotide variant.
Coding change: c.1550G>A on transcript NM_003742.4 (MANE Select); coding-DNA position 1550, G replaced by A.
Protein change: p.Arg517His; replaces arginine 517 with histidine.
Molecular consequence: missense variant.
Genome position (GRCh38, 1-based): chr2:168,971,935, C>T on the plus strand (G>A on the coding strand, the complement: ABCB11 is on the minus strand). VCF-style: chr2-168971935-C-T. GRCh37 (hg19) VCF-style: chr2-169828445-C-T.
Other names: c.1550G>A, p.Arg517His (LRG_1199t1); c.1550G>A (NM_003742.2); short protein forms R517H.
Identifiers: ClinVar variation 598701 (VCV000598701.16), dbSNP rs760750012, ClinGen allele CA1951545.

ClinVar aggregate classification (germline): Pathogenic/Likely pathogenic. Review status: criteria provided, multiple submitters, no conflicts (2 of 4 stars). 8 submissions from 8 submitters: Pathogenic (1); Likely pathogenic (7). Last evaluated 2026-04-14.

Conditions:
Familial intrahepatic cholestasis. Identifiers: Orphanet 284385, MedGen CN296401, MONDO:0017290.
Progressive familial intrahepatic cholestasis (PFIC). Also called: Progressive family intrahepatic cholestasis; Progressive intrahepatic cholestasis. Identifiers: Orphanet 172, MedGen C0268312, MONDO:0015762.
Progressive familial intrahepatic cholestasis type 2. Identifiers: Orphanet 79304, MedGen C3489789, MONDO:0011156, OMIM 601847.
Benign recurrent intrahepatic cholestasis type 2 (BRIC2). Also called: Recurrent familial intrahepatic cholestasis 2. Identifiers: Orphanet 65682, Orphanet 99961, MedGen C2608083, MONDO:0011559, OMIM 605479.

Allele frequency attached by ClinVar (database versions not stated): ExAC 0.00001; gnomAD 0.00001; gnomAD exomes 0.00001; TOPMed 0.00003.
gnomAD v4.1: 18 of 1,612,856 alleles (0.0011%); highest among the groups gnomAD compares: African/African-American, 0.0067%; no homozygotes.

Submissions (8):

Genomenon, Inc
Classification: Likely pathogenic for Familial intrahepatic cholestasis. Last evaluated: 2026-04-14. Review status: criteria provided, single submitter. Criteria: Genomenon Sequence Variant Interpretation Standards - Updated. Collection method: curation. Allele origin: germline. Affected: yes.
Comment: ABCB11 p.Arg517His (c.1550G>A) is a missense variant that changes the amino acid at residue 517 from Arginine to Histidine. This variant has been observed in at least one proband with an ABCB11-related disorder (PMID:16641580;27706244;27050426). It has been observed in trans with a pathogenic or likely pathogenic variant (PMID:27706244;27050426). Functional studies have been reported (PMID:19101985). It is absent or not present at a significant frequency in gnomAD. In silico models predict that this variant is possibly or probably damaging. In conclusion, we classify ABCB11 p.Arg517His (c.1550G>A) as a likely pathogenic variant.

Natera, Inc.
Classification: Likely pathogenic for Progressive familial intrahepatic cholestasis type 2. Last evaluated: 2025-10-29. Review status: criteria provided, single submitter. Criteria: Natera Variant Classification Schema (03/2026). Collection method: clinical testing. Allele origin: germline.
Comment: The c.1550G>A variant in ABCB11 is a missense variant predicted to cause substitution of arginine to histidine at amino acid 517. This variant is rare in the general population with a frequency below the threshold expected for the associated phenotype(s). This variant has been observed in one or more individuals affected with the associated recessive disease, as either homozygous or compound heterozygous with a second variant (PMID: 18395098, 31450232). Computational prediction algorithms indicate this variant is likely to affect gene or protein function. Given the available evidence, this variant is classified as Likely Pathogenic.

Fulgent Genetics
Classification: Likely pathogenic for Progressive familial intrahepatic cholestasis type 2; Benign recurrent intrahepatic cholestasis type 2. Last evaluated: 2024-04-23. Review status: criteria provided, single submitter. Criteria: ACMG Guidelines, 2015. Collection method: clinical testing. Allele origin: germline.

Women's Health and Genetics/Laboratory Corporation of America, LabCorp
Classification: Likely pathogenic for Progressive familial intrahepatic cholestasis. Last evaluated: 2024-04-17. Review status: criteria provided, single submitter. Criteria: LabCorp Variant Classification Summary - May 2015. Collection method: clinical testing. Allele origin: germline.
Comment: Variant summary: ABCB11 c.1550G>A (p.Arg517His) results in a non-conservative amino acid change located in the ABC transporter-like, ATP-binding domain (IPR003439) of the encoded protein sequence. Five of five in-silico tools predict a damaging effect of the variant on protein function. The variant allele was found at a frequency of 1.2e-05 in 248502 control chromosomes (gnomAD). c.1550G>A has been reported in the literature in individuals affected with Familial Intrahepatic Cholestasis (Walkowiak_2006, Wang_2016). These data indicate that the variant may be associated with disease. At least one publication reports experimental evidence evaluating an impact on protein function, finding that the variant results in a loss of mature protein (Byrne_2009). The following publications have been ascertained in the context of this evaluation (PMID: 19101985, 16641580, 18395098, 27050426). ClinVar contains an entry for this variant (Variation ID: 598701). Based on the evidence outlined above, the variant was classified as likely pathogenic.

Labcorp Genetics (formerly Invitae), Labcorp
Classification: Pathogenic. Last evaluated: 2023-12-19. Review status: criteria provided, single submitter. Criteria: Invitae Variant Classification Sherloc (09022015). Collection method: clinical testing. Allele origin: germline.
Comment: This sequence change replaces arginine, which is basic and polar, with histidine, which is basic and polar, at codon 517 of the ABCB11 protein (p.Arg517His). This variant is present in population databases (rs760750012, gnomAD 0.008%). This missense change has been observed in individual(s) with cholestasis (PMID: 16641580, 27050426). In at least one individual the data is consistent with being in trans (on the opposite chromosome) from a pathogenic variant. ClinVar contains an entry for this variant (Variation ID: 598701). Advanced modeling of protein sequence and biophysical properties (such as structural, functional, and spatial information, amino acid conservation, physicochemical variation, residue mobility, and thermodynamic stability) performed at Invitae indicates that this missense variant is expected to disrupt ABCB11 protein function with a positive predictive value of 95%. Experimental studies have shown that this missense change affects ABCB11 function (PMID: 19101985). For these reasons, this variant has been classified as Pathogenic.

Baylor Genetics
Classification: Likely pathogenic for Benign recurrent intrahepatic cholestasis type 2. Last evaluated: 2023-12-13. Review status: criteria provided, single submitter. Criteria: ACMG Guidelines, 2015. Collection method: clinical testing. Allele origin: unknown.

GeneDx
Classification: Likely pathogenic. Last evaluated: 2023-03-24. Review status: criteria provided, single submitter. Criteria: GeneDx Variant Classification Process June 2021. Collection method: clinical testing. Allele origin: germline. Affected: yes.
Comment: In silico analysis supports that this missense variant has a deleterious effect on protein structure/function; This variant is associated with the following publications: (PMID: 19101985, 16641580, 24644547, 18395098, 27706244, 27050426)

Eurofins Ntd Llc (ga)
Classification: Likely pathogenic. Last evaluated: 2018-09-17. Review status: criteria provided, single submitter. Criteria: EGL ClinVar v180209 classification definitions. Collection method: clinical testing. Allele origin: germline. Observed: 1 variant allele, 1 heterozygote.

Literature cited by the submitters: PubMed 16641580 (cited by 3 submitters); PubMed 27706244 (cited by Genomenon, Inc); PubMed 27050426 (cited by 3 submitters); PubMed 19101985 (cited by 3 submitters); PubMed 18395098 (cited by Natera, Inc. and Women's Health and Genetics/Laboratory Corporation of America, LabCorp); PubMed 31450232 (cited by Natera, Inc.).